The following is an entry in ClinVar:

ClinVar aggregate classification (germline): Likely benign (1 of 4 stars; one submission).

Submission:

CeGaT Center for Human Genetics Tuebingen
Classification: Likely benign. Last evaluated: 2025-10-01. Review status: criteria provided, single submitter. Criteria: CeGaT Center For Human Genetics Tuebingen Variant Classification Criteria Version 2. Collection method: clinical testing. Allele origin: germline. Affected: yes. Observed: 1 variant allele.
Comment: MUC4: BP4, BP7

NM_018406.7(MUC4):c.10401A>C (p.Thr3467=)

Gene: MUC4 (mucin 4, cell surface associated). Cytogenetic location: 3q29.
Variant type: single nucleotide variant.
Coding change: c.10401A>C on transcript NM_018406.7 (MANE Select); coding-DNA position 10401, A replaced by C.
Protein change: p.Thr3467=; no amino-acid change (threonine 3467 retained).
Molecular consequence: synonymous variant. On other transcripts: intron variant (2).
Genome position (GRCh38, 1-based): chr3:195,781,179, T>G on the plus strand (A>C on the coding strand, the complement: MUC4 is on the minus strand). VCF-style: chr3-195781179-T-G. GRCh37 (hg19) VCF-style: chr3-195508050-T-G.
Other names: c.83-6874A>C (NM_138297.5); c.83-2724A>C (NM_004532.6).
Identifiers: ClinVar variation 4533759 (VCV004533759.6).